The following is an entry in ClinVar:

ClinVar aggregate classification (germline): Uncertain significance (1 of 4 stars; one submission).

Conditions:
Hearing loss, autosomal dominant 80. Also called: DEAFNESS, AUTOSOMAL DOMINANT 80. Identifiers: MedGen C5543289, MONDO:0030998, OMIM 619274.
Renal hypodysplasia/aplasia 3 (RHDA3). Identifiers: MedGen C4540497, MONDO:0024520, OMIM 617805.

Submission:

Juno Genomics, Hangzhou Juno Genomics, Inc
Classification: Uncertain significance for Hearing loss, autosomal dominant 80; Renal hypodysplasia/aplasia 3. Review status: criteria provided, single submitter. Criteria: ACMG Guidelines, 2015. Collection method: clinical testing. Allele origin: germline.
Comment: Absent from controls (or at extremely low frequency if recessive) in Genome Aggregation Database.;Missense variant in a gene that has a low rate of benign missense variation.

NM_001142966.3(GREB1L):c.5749T>C (p.Phe1917Leu)

Gene: GREB1L (GREB1 like retinoic acid receptor coactivator; plus strand). Cytogenetic location: 18q11.2.
Variant type: single nucleotide variant.
Coding change: c.5749T>C on transcript NM_001142966.3 (MANE Select); coding-DNA position 5749, T replaced by C.
Protein change: p.Phe1917Leu; replaces phenylalanine 1917 with leucine.
Molecular consequence: missense variant.
Genome position (GRCh38, 1-based): chr18:21,522,798, T>C. VCF-style: chr18-21522798-T-C. GRCh37 (hg19) VCF-style: chr18-19102759-T-C.
Other names: c.5878T>C, p.Phe1960Leu (NM_001410867.1); c.5422T>C, p.Phe1808Leu (NM_001410868.1); short protein forms F1808L, F1917L, F1960L.
Identifiers: ClinVar variation 5018529 (VCV005018529.2).